The following is an entry in ClinVar:

ClinVar aggregate classification (germline): Pathogenic. Review status: criteria provided, multiple submitters, no conflicts (2 of 4 stars). 2 submissions from 2 submitters: Pathogenic (2). Last evaluated 2025-03-31.

Conditions:
ABCA4-related disorder. Also called: ABCA4-related disorders; ABCA4-related condition. Identifiers: MedGen CN239167.

gnomAD v4.1: 1 of 1,561,812 alleles (0.000064%); highest among the groups gnomAD compares: African/African-American, 0.0014%; no homozygotes.

Submissions (2):

Labcorp Genetics (formerly Invitae), Labcorp
Classification: Pathogenic. Last evaluated: 2025-03-31. Review status: criteria provided, single submitter. Criteria: Invitae Variant Classification Sherloc (09022015). Collection method: clinical testing. Allele origin: germline.
Comment: This sequence change replaces lysine, which is basic and polar, with asparagine, which is neutral and polar, at codon 22 of the ABCA4 protein (p.Lys22Asn). This variant also falls at the last nucleotide of exon 1, which is part of the consensus splice site for this exon. This variant is not present in population databases (gnomAD no frequency). This missense change has been observed in individual(s) with Stargardt disease (PMID: 29114839; internal data). In at least one individual the data is consistent with being in trans (on the opposite chromosome) from a pathogenic variant. It has also been observed to segregate with disease in related individuals. ClinVar contains an entry for this variant (Variation ID: 1457722). An algorithm developed to predict the effect of missense changes on protein structure and function (PolyPhen-2) suggests that this variant is likely to be tolerated. Variants that disrupt the consensus splice site are a relatively common cause of aberrant splicing (PMID: 17576681, 9536098). Algorithms developed to predict the effect of sequence changes on RNA splicing suggest that this variant may disrupt the consensus splice site. For these reasons, this variant has been classified as Pathogenic.

Blueprint Genetics
Classification: Pathogenic for ABCA4-related disorders. Last evaluated: 2022-04-13. Review status: criteria provided, single submitter. Criteria: ACMG Guidelines, 2015. Collection method: clinical testing. Allele origin: germline. Affected: yes. Observed: 2 variant alleles.

Literature cited by the submitters: PubMed 29114839 (cited by Labcorp Genetics (formerly Invitae), Labcorp); PubMed 17576681 (cited by Labcorp Genetics (formerly Invitae), Labcorp); PubMed 9536098 (cited by Labcorp Genetics (formerly Invitae), Labcorp).

NM_000350.3(ABCA4):c.66G>T (p.Lys22Asn)

Gene: ABCA4 (ATP binding cassette subfamily A member 4; minus strand). Cytogenetic location: 1p22.1.
Variant type: single nucleotide variant.
Coding change: c.66G>T on transcript NM_000350.3 (MANE Select); coding-DNA position 66, G replaced by T.
Protein change: p.Lys22Asn; replaces lysine 22 with asparagine.
Molecular consequence: missense variant.
Genome position (GRCh38, 1-based): chr1:94,120,980, C>A on the plus strand (G>T on the coding strand, the complement: ABCA4 is on the minus strand). VCF-style: chr1-94120980-C-A. GRCh37 (hg19) VCF-style: chr1-94586536-C-A.
Other names: c.66G>T, p.Lys22Asn (NM_001425324.1); short protein forms K22N.
Identifiers: ClinVar variation 1457722 (VCV001457722.7), dbSNP rs2101191227, ClinGen allele CA341288484.